The following is an entry in ClinVar:

ClinVar aggregate classification (germline): Uncertain significance. Review status: criteria provided, multiple submitters, no conflicts (2 of 4 stars). 2 submissions from 2 submitters: Uncertain significance (2). Last evaluated 2026-02-10.

Conditions:
Joubert syndrome. Also called: Familial aplasia of the vermis; JOUBERT-BOLTSHAUSER SYNDROME. Identifiers: Orphanet 475, MedGen C5979921, MONDO:0018772.
Meckel-Gruber syndrome. Also called: Dysencephalia splachnocystica; GRUBER SYNDROME; DYSENCEPHALIA SPLANCHNOCYSTICA. Identifiers: Orphanet 564, MedGen C0265215, MONDO:0018921.
RPGRIP1L-related disorder. Also called: RPGRIP1L-related condition; RPGRIP1L-related disorders. Identifiers: MedGen CN239416.

Allele frequency attached by ClinVar (database versions not stated): gnomAD exomes below 0.00001 and 0.00001.
gnomAD v4.1: 10 of 1,491,110 alleles (0.00067%); highest among the groups gnomAD compares: Non-Finnish European, 0.00094%; no homozygotes.

Submissions (2):

PreventionGenetics, part of Exact Sciences
Classification: Uncertain significance for RPGRIP1L-related condition. Last evaluated: 2026-02-10. Review status: criteria provided, single submitter. Criteria: ACMG Guidelines, 2015. Collection method: clinical testing. Allele origin: germline.
Comment: The RPGRIP1L c.2959G>A variant is predicted to result in the amino acid substitution p.Glu987Lys. This variant affects the last position of the exon and it is predicted to alter splicing based on available splicing prediction software (SpliceAI, Jaganathan et al. 2019. PubMed ID: 30661751). However, the use of computer prediction software is not equivalent to functional evidence. To our knowledge, this variant has not been reported in the literature. This variant is reported in 0.00088% of alleles in individuals of European (Non-Finnish) descent in gnomAD. At this time, the clinical significance of this variant is uncertain due to the absence of conclusive functional and genetic evidence.

Labcorp Genetics (formerly Invitae), Labcorp
Classification: Uncertain significance for Joubert syndrome; Meckel-Gruber syndrome. Last evaluated: 2021-09-17. Review status: criteria provided, single submitter. Criteria: Invitae Variant Classification Sherloc (09022015). Collection method: clinical testing. Allele origin: germline.
Comment: This sequence change replaces glutamic acid with lysine at codon 987 of the RPGRIP1L protein (p.Glu987Lys). The glutamic acid residue is moderately conserved and there is a small physicochemical difference between glutamic acid and lysine. This variant is not present in population databases (ExAC no frequency). This variant has not been reported in the literature in individuals with RPGRIP1L-related conditions. Algorithms developed to predict the effect of missense changes on protein structure and function (SIFT, PolyPhen-2, Align-GVGD) all suggest that this variant is likely to be tolerated, but these predictions have not been confirmed by published functional studies and their clinical significance is uncertain. Algorithms developed to predict the effect of sequence changes on RNA splicing suggest that this variant may disrupt the consensus splice site, but this prediction has not been confirmed by published transcriptional studies. In summary, the available evidence is currently insufficient to determine the role of this variant in disease. Therefore, it has been classified as a Variant of Uncertain Significance.

NM_015272.5(RPGRIP1L):c.2959G>A (p.Glu987Lys)

Gene: RPGRIP1L (RPGRIP1 like; minus strand). Cytogenetic location: 16q12.2.
Variant type: single nucleotide variant.
Coding change: c.2959G>A on transcript NM_015272.5 (MANE Select); coding-DNA position 2959, G replaced by A.
Protein change: p.Glu987Lys; replaces glutamic acid 987 with lysine.
Molecular consequence: missense variant. On other transcripts: intron variant (2).
Genome position (GRCh38, 1-based): chr16:53,638,411, C>T on the plus strand (G>A on the coding strand, the complement: RPGRIP1L is on the minus strand). VCF-style: chr16-53638411-C-T. GRCh37 (hg19) VCF-style: chr16-53672323-C-T.
Other names: c.2959G>A, p.Glu987Lys (NM_001308334.3); c.2959-557G>A (NM_001127897.4, NM_001330538.2); c.2959G>A (NM_015272.4); short protein forms E987K.
Identifiers: ClinVar variation 1364530 (VCV001364530.7), dbSNP rs1467277908, ClinGen allele CA395926707.